The following is an entry in ClinVar:

NM_024675.4(PALB2):c.2996+4A>G

Gene: PALB2 (partner and localizer of BRCA2; minus strand). Cytogenetic location: 16p12.2.
Variant type: single nucleotide variant.
Coding change: c.2996+4A>G on transcript NM_024675.4 (MANE Select); 4 bases into the intron after coding-DNA position 2996, A replaced by G.
Molecular consequence: intron variant.
Genome position (GRCh38, 1-based): chr16:23,622,965, T>C on the plus strand (A>G on the coding strand, the complement: PALB2 is on the minus strand). VCF-style: chr16-23622965-T-C. GRCh37 (hg19) VCF-style: chr16-23634286-T-C.
Other names: c.2111+4A>G (NM_001407308.1, NM_001407306.1, NM_001407309.1 and 4 more transcripts); c.530+4A>G (NM_001407314.1); c.1208+4A>G (NM_001407313.1, NM_001407312.1); c.2936+4A>G (NM_001407296.1); c.2924+4A>G (NM_001407297.1); c.2834+4A>G (NM_001407302.1, NM_001407298.1); c.2834+1044A>G (NM_001407300.1); c.2996+4A>G (NM_001407299.1, NM_001407301.1); and 1 more.
Identifiers: ClinVar variation 2687484 (VCV002687484.1), dbSNP rs2142334123, ClinGen allele CA2695222914.

ClinVar aggregate classification (germline): Uncertain significance (1 of 4 stars; one submission).

Conditions:
Hereditary breast ovarian cancer syndrome. Also called: Hereditary breast and ovarian cancer syndrome (HBOC); Breast and ovarian cancer; Hereditary breast and ovarian cancer; Hereditary breast and ovarian cancer syndrome; BRCA1- and BRCA2-Associated Hereditary Breast and Ovarian Cancer; Hereditary breast and/or ovarian cancer syndrome. Identifiers: Orphanet 145, MedGen C0677776, MeSH D061325, MONDO:0003582. Disease mechanism: loss of function.

Submission:

German Consortium for Hereditary Breast and Ovarian Cancer, University Hospital Cologne
Classification: Uncertain significance for Hereditary breast ovarian cancer syndrome. Last evaluated: 2024-01-09. Review status: criteria provided, single submitter. Criteria: ClinGen PALB2 V1.0.0. Collection method: curation. Allele origin: germline.
Comment: . According to the ClinGen ACMG PALB2 v1.0.0 criteria we chose these criteria: PM2 (supporting pathogenic): absent in gnomAD, PP3 (supporting pathogenic): spliceAI: PALB2: 0.48